The following is an entry in ClinVar:

ClinVar aggregate classification (germline): Uncertain significance. Review status: criteria provided, multiple submitters, no conflicts (2 of 4 stars). 3 submissions from 3 submitters: Uncertain significance (3). Last evaluated 2022-02-01.

Conditions:
Spermatogenic failure 46. Identifiers: MedGen C5436799, MONDO:0033673, OMIM 619095.
Primary ciliary dyskinesia. Also called: Ciliary dyskinesia. Identifiers: Orphanet 244, MedGen C0008780, MONDO:0016575, HP:0012265.

Allele frequency attached by ClinVar (database versions not stated): gnomAD exomes 0.00005 and 0.00009; ExAC 0.00007; gnomAD 0.00007 and 0.00008; TOPMed 0.00007; ESP Exome Variant Server 0.00008.
gnomAD v4.1: 141 of 1,584,744 alleles (0.0089%); highest among the groups gnomAD compares: Non-Finnish European, 0.011%; no homozygotes.

Submissions (3):

Fulgent Genetics
Classification: Uncertain significance for Spermatogenic failure 46. Last evaluated: 2022-02-01. Review status: criteria provided, single submitter. Criteria: ACMG Guidelines, 2015. Collection method: clinical testing. Allele origin: unknown.

Ambry Genetics
Classification: Uncertain significance. Last evaluated: 2021-09-01. Review status: criteria provided, single submitter. Criteria: Ambry Variant Classification Scheme 2023. Collection method: clinical testing. Allele origin: germline.

Labcorp Genetics (formerly Invitae), Labcorp
Classification: Uncertain significance for Primary ciliary dyskinesia. Last evaluated: 2021-08-26. Review status: criteria provided, single submitter. Criteria: Invitae Variant Classification Sherloc (09022015). Collection method: clinical testing. Allele origin: germline.
Comment: This sequence change replaces leucine with methionine at codon 3009 of the DNAH8 protein (p.Leu3009Met). The leucine residue is highly conserved and there is a small physicochemical difference between leucine and methionine. This variant is present in population databases (rs199779645, ExAC 0.01%). This variant has not been reported in the literature in individuals affected with DNAH8-related conditions. Algorithms developed to predict the effect of missense changes on protein structure and function are either unavailable or do not agree on the potential impact of this missense change (SIFT: "Deleterious"; PolyPhen-2: "Not Available"; Align-GVGD: "Class C0"). In summary, the available evidence is currently insufficient to determine the role of this variant in disease. Therefore, it has been classified as a Variant of Uncertain Significance.

NM_001206927.2(DNAH8):c.9025C>A (p.Leu3009Met)

Gene: DNAH8 (dynein axonemal heavy chain 8; plus strand). Cytogenetic location: 6p21.2.
Variant type: single nucleotide variant.
Coding change: c.9025C>A on transcript NM_001206927.2 (MANE Select); coding-DNA position 9025, C replaced by A.
Protein change: p.Leu3009Met; replaces leucine 3009 with methionine.
Molecular consequence: missense variant.
Genome position (GRCh38, 1-based): chr6:38,898,342, C>A. VCF-style: chr6-38898342-C-A. GRCh37 (hg19) VCF-style: chr6-38866118-C-A.
Other names: c.8374C>A, p.Leu2792Met (NM_001371.4); short protein forms L3009M, L2792M.
Identifiers: ClinVar variation 525363 (VCV000525363.8), dbSNP rs199779645, ClinGen allele CA3790364.
Genomic context (GRCh38, chr6:38,898,342, plus strand): 5'-GAAAAACTCCAGTTTTACCAGAGACAGTTCAATGAAATCATTAGAGGAACATCTCTTGAT[C>A]TGGTGTTTTTTAAAGATGCAATGACTCATCTTATTAAGGTCCTAACTATTGCCTATTTAC-3'
Protein context (NP_001193856.1, residues 2999-3019): NEIIRGTSLD[Leu3009Met]VFFKDAMTHL